The following is an entry in ClinVar:

NM_007194.4(CHEK2):c.760del (p.Arg254fs)

Gene: CHEK2 (checkpoint kinase 2; minus strand). Cytogenetic location: 22q12.1.
Variant type: Deletion.
Coding change: c.760del on transcript NM_007194.4 (MANE Select); coding-DNA position 760, one base deleted (A; older notation c.760delA).
Protein change: p.Arg254fs; shifts the reading frame from arginine 254.
Molecular consequence: frameshift variant.
Genome position (GRCh38, 1-based): chr22:28,711,941, T deleted on the plus strand (A on the coding strand, the reverse complement: CHEK2 is on the minus strand); the first of 4 consecutive T bases (chr22:28,711,941-28,711,944); deleting any one gives the same sequence. VCF-style (leftmost placement, unchanged base first): chr22-28711940-CT-C. GRCh37 (hg19) VCF-style: chr22-29107928-CT-C.
Other names: c.886delA, p.Arg297Glyfs (NM_001005735.3); c.94delA, p.Arg33Glyfs (NM_001257387.3); c.556delA, p.Arg187Glyfs (NM_001349956.3); c.757delA, p.Arg254Glyfs (NM_145862.3); short protein forms R187fs, R254fs, R297fs, R33fs.
Identifiers: ClinVar variation 1382486 (VCV001382486.8), dbSNP rs2145949827, ClinGen allele CA2573157983.

ClinVar aggregate classification (germline): Pathogenic. Review status: criteria provided, multiple submitters, no conflicts (2 of 4 stars). 2 submissions from 2 submitters: Pathogenic (2). Last evaluated 2023-06-26.

Conditions:
Familial cancer of breast. Also called: Hereditary breast cancer; BREAST CANCER, FAMILIAL; hereditary breast carcinoma. Identifiers: Orphanet 227535, MedGen C0346153, MONDO:0016419, OMIM 114480. Disease mechanism: loss of function.

Submissions (2):

Myriad Genetics, Inc.
Classification: Pathogenic for Familial cancer of breast. Last evaluated: 2023-06-26. Review status: criteria provided, single submitter. Criteria: Myriad Autosomal Dominant, Autosomal Recessive and X-Linked Classification Criteria (2023). Collection method: clinical testing. Allele origin: unknown.
Comment: This variant is considered pathogenic. This variant creates a frameshift predicted to result in premature protein truncation.

Labcorp Genetics (formerly Invitae), Labcorp
Classification: Pathogenic for Familial cancer of breast. Last evaluated: 2021-10-25. Review status: criteria provided, single submitter. Criteria: Invitae Variant Classification Sherloc (09022015). Collection method: clinical testing. Allele origin: germline.
Comment: For these reasons, this variant has been classified as Pathogenic. This variant has not been reported in the literature in individuals affected with CHEK2-related conditions. This variant is not present in population databases (ExAC no frequency). This sequence change creates a premature translational stop signal (p.Arg254Glyfs*21) in the CHEK2 gene. It is expected to result in an absent or disrupted protein product. Loss-of-function variants in CHEK2 are known to be pathogenic (PMID: 21876083, 24713400).

Literature cited by the submitters: PubMed 21876083 (cited by Labcorp Genetics (formerly Invitae), Labcorp); PubMed 24713400 (cited by Labcorp Genetics (formerly Invitae), Labcorp).